The following is an entry in ClinVar:

ClinVar aggregate classification (germline): Uncertain significance. Review status: criteria provided, multiple submitters, no conflicts (2 of 4 stars). 2 submissions from 2 submitters: Uncertain significance (2). Last evaluated 2025-12-11.

Conditions:
Inborn genetic diseases. Identifiers: MedGen C0950123, MeSH D030342.

Allele frequency attached by ClinVar (database versions not stated): gnomAD exomes below 0.00001 and 0.00001; ExAC 0.00001; gnomAD 0.00002; TOPMed 0.00004.
gnomAD v4.1: 5 of 1,614,058 alleles (0.00031%); highest among the groups gnomAD compares: African/African-American, 0.0067%; no homozygotes.

Submissions (2):

Ambry Genetics
Classification: Uncertain significance for Inborn genetic diseases. Last evaluated: 2025-12-11. Review status: criteria provided, single submitter. Criteria: Ambry Variant Classification Scheme 2023. Collection method: clinical testing. Allele origin: germline.

Labcorp Genetics (formerly Invitae), Labcorp
Classification: Uncertain significance. Last evaluated: 2023-12-11. Review status: criteria provided, single submitter. Criteria: Invitae Variant Classification Sherloc (09022015). Collection method: clinical testing. Allele origin: germline.
Comment: This sequence change replaces glutamic acid, which is acidic and polar, with glutamine, which is neutral and polar, at codon 174 of the USB1 protein (p.Glu174Gln). This variant is present in population databases (rs768341871, gnomAD 0.01%). This variant has not been reported in the literature in individuals affected with USB1-related conditions. ClinVar contains an entry for this variant (Variation ID: 1500040). Advanced modeling of protein sequence and biophysical properties (such as structural, functional, and spatial information, amino acid conservation, physicochemical variation, residue mobility, and thermodynamic stability) performed at Invitae indicates that this missense variant is not expected to disrupt USB1 protein function with a negative predictive value of 80%. In summary, the available evidence is currently insufficient to determine the role of this variant in disease. Therefore, it has been classified as a Variant of Uncertain Significance.

NM_024598.4(USB1):c.520G>C (p.Glu174Gln)

Gene: USB1 (U6 snRNA biogenesis phosphodiesterase 1; plus strand). Cytogenetic location: 16q21.
Variant type: single nucleotide variant.
Coding change: c.520G>C on transcript NM_024598.4 (MANE Select); coding-DNA position 520, G replaced by C.
Protein change: p.Glu174Gln; replaces glutamic acid 174 with glutamine.
Molecular consequence: missense variant.
Genome position (GRCh38, 1-based): chr16:58,017,350, G>C. VCF-style: chr16-58017350-G-C. GRCh37 (hg19) VCF-style: chr16-58051254-G-C.
Other names: c.466G>C, p.Glu156Gln (NM_001195302.2); c.367G>C, p.Glu123Gln (NM_001330568.2); c.520G>C (NM_024598.3); short protein forms E156Q, E174Q, E123Q.
Identifiers: ClinVar variation 1500040 (VCV001500040.10), dbSNP rs768341871, ClinGen allele CA8084969.
Genomic context (GRCh38, chr16:58,017,350, plus strand): 5'-CTCAGAGGCTACATCTCATGCCTGCGTTGTCTTCCTCTCCCCAGGACCTTTATTGGGCTT[G>C]AGGTCACTTCAGGGCATGCCCAGTTCCTGGACCTGGTTTCAGAGGTGGACAGAGTCATGG-3'
Protein context (NP_078874.2, residues 164-184): QEKTRTFIGL[Glu174Gln]VTSGHAQFLD